The following is an entry in ClinVar:

NM_025137.4(SPG11):c.7219G>A (p.Asp2407Asn)

Gene: SPG11 (SPG11 vesicle trafficking associated, spatacsin; minus strand). Cytogenetic location: 15q21.1.
Variant type: single nucleotide variant.
Coding change: c.7219G>A on transcript NM_025137.4 (MANE Select); coding-DNA position 7219, G replaced by A.
Protein change: p.Asp2407Asn; replaces aspartic acid 2407 with asparagine.
Molecular consequence: missense variant.
Genome position (GRCh38, 1-based): chr15:44,563,234, C>T on the plus strand (G>A on the coding strand, the complement: SPG11 is on the minus strand). VCF-style: chr15-44563234-C-T. GRCh37 (hg19) VCF-style: chr15-44855432-C-T.
Other names: c.6880G>A, p.Asp2294Asn (NM_001160227.2); c.7075G>A, p.Asp2359Asn (NM_001411132.1); short protein forms D2294N, D2359N, D2407N.
Identifiers: ClinVar variation 4529714 (VCV004529714.1).

ClinVar aggregate classification (germline): Uncertain significance (1 of 4 stars; one submission).

gnomAD v4.1: 1 of 1,614,024 alleles (0.000062%); highest among the groups gnomAD compares: Non-Finnish European, 0.000085%; no homozygotes.

Submission:

GeneDx
Classification: Uncertain significance. Last evaluated: 2025-05-16. Review status: criteria provided, single submitter. Criteria: GeneDx Variant Classification Process June 2021. Collection method: clinical testing. Allele origin: germline. Affected: yes.
Comment: Not observed at significant frequency in large population cohorts (gnomAD); In silico analysis supports that this missense variant has a deleterious effect on protein structure/function; Has not been previously published as pathogenic or benign to our knowledge